The following is an entry in ClinVar:

ClinVar aggregate classification (germline): Pathogenic. Review status: reviewed by expert panel (3 of 4 stars). 23 submissions from 23 submitters: Pathogenic (1). 22 of the submissions do not count toward it. Last evaluated 2013-09-05.

Conditions:
Hereditary nonpolyposis colorectal neoplasms. Identifiers: MedGen C0009405, MeSH D003123.
Hereditary cancer-predisposing syndrome. Also called: Neoplastic Syndromes, Hereditary; Tumor predisposition; Hereditary Cancer Syndrome; Hereditary neoplastic syndrome. Identifiers: Orphanet 140162, MedGen C0027672, MeSH D009386, MONDO:0015356.
Lynch syndrome. Identifiers: Orphanet 144, MedGen C4552100, MONDO:0005835. Disease mechanism: loss of function.
Hereditary breast ovarian cancer syndrome. Also called: Hereditary breast and/or ovarian cancer syndrome; Hereditary breast and ovarian cancer syndrome; Hereditary breast and ovarian cancer; Hereditary breast and ovarian cancer syndrome (HBOC); Breast and ovarian cancer; BRCA1- and BRCA2-Associated Hereditary Breast and Ovarian Cancer. Identifiers: Orphanet 145, MedGen C0677776, MeSH D061325, MONDO:0003582. Disease mechanism: loss of function.
Lynch syndrome 5 (LYNCH5). Also called: Colorectal cancer, hereditary nonpolyposis, type 5; Hereditary non-polyposis colorectal cancer, type 5. Identifiers: Orphanet 144, MedGen C1833477, MONDO:0013710, OMIM 614350. Disease mechanism: loss of function.
Endometrial carcinoma. Also called: Endometrial carcinoma, somatic. Identifiers: MedGen C0476089, MONDO:0002447, OMIM 608089, HP:0012114.
Carcinoma of colon (CRC). Also called: Colon carcinoma; Colonic carcinoma. Identifiers: MedGen C0699790, MONDO:0002032.

Allele frequency attached by ClinVar (database versions not stated): gnomAD 0.00001.

Submissions 1 to 12 of 23:

International Society for Gastrointestinal Hereditary Tumours (InSiGHT)
Classification: Pathogenic for Lynch Syndrome. Last evaluated: 2013-09-05. Review status: reviewed by expert panel. Criteria: Guidelines v1.9. Collection method: research. Allele origin: germline.
Comment: Coding sequence variation resulting in a stop codon

Classified with v1.9 guidelines

Labcorp Genetics (formerly Invitae), Labcorp
Classification: Pathogenic for Hereditary nonpolyposis colorectal neoplasms. Last evaluated: 2026-01-27. Review status: criteria provided, single submitter. Criteria: Invitae Variant Classification Sherloc (09022015). Collection method: clinical testing. Allele origin: germline. Not counted in ClinVar's aggregate classification.
Comment: This sequence change creates a premature translational stop signal (p.Arg482*) in the MSH6 gene. It is expected to result in an absent or disrupted protein product. Loss-of-function variants in MSH6 are known to be pathogenic (PMID: 18269114, 24362816). This variant is present in population databases (rs63750909, gnomAD 0.06%). This premature translational stop signal has been observed in individual(s) with Lynch syndrome (PMID: 15236168, 20028993, 20587412, 21836479, 22495361). Invitae Evidence Modeling of clinical and family history, age, sex, and reported ancestry of multiple individuals with this MSH6 variant has been performed. This variant is expected to be pathogenic with a positive predictive value of at least 99%. This is a validated machine learning model that incorporates the clinical features of 1,627,235 individuals referred to our laboratory for MSH6 testing. ClinVar contains an entry for this variant (Variation ID: 89194). For these reasons, this variant has been classified as Pathogenic.

Color Diagnostics, LLC DBA Color Health
Classification: Pathogenic for Hereditary cancer-predisposing syndrome. Last evaluated: 2025-08-19. Review status: criteria provided, single submitter. Criteria: ACMG Guidelines, 2015. Collection method: clinical testing. Allele origin: germline. Not counted in ClinVar's aggregate classification.
Comment: This variant changes 1 nucleotide in exon 4 of the MSH6 gene, creating a premature translation stop signal. This variant is expected to result in an absent or non-functional protein product. This variant has been reported in individuals affected with Lynch syndrome (PMID: 15236168, 19575290, 20587412, 22495361, 28460341) and colorectal cancer (PMID: 20028993). This variant has been identified in 1/31384 chromosomes in the general population by the Genome Aggregation Database (gnomAD). Loss of MSH6 function is a known mechanism of disease. Based on the available evidence, this variant is classified as Pathogenic.

Ambry Genetics
Classification: Pathogenic for Hereditary cancer-predisposing syndrome. Last evaluated: 2025-05-29. Review status: criteria provided, single submitter. Criteria: Ambry Variant Classification Scheme 2023. Collection method: clinical testing. Allele origin: germline. Not counted in ClinVar's aggregate classification.
Comment: The p.R482* pathogenic mutation (also known as c.1444C>T), located in coding exon 4 of the MSH6 gene, results from a C to T substitution at nucleotide position 1444. This changes the amino acid from an arginine to a stop codon within coding exon 4. This mutation was detected in a family that met Amsterdam II criteria and the mutation showed moderate segregation with disease (Hendriks YM et al. Gastroenterology 2004 Jul;127(1):17-25). The mutation has also been reported in multiple patients with hereditary non-polyposis colorectal cancer (HNPCC)/Lynch syndrome, some of whom have been shown to have tumors with loss of MSH6 protein on immunohistochemistry (IHC) (Nilbert M et al. Fam. Cancer 2009 Jun;8(1):75-83; Jensen UB et al. Breast Cancer Res. Treat. 2010 Apr;120:777-82; Okkels H et al. Appl. Immunohistochem. Mol. Morphol. 2012 Oct;20:470-7). In addition to the clinical data presented in the literature, this alteration is expected to result in loss of function by premature protein truncation or nonsense-mediated mRNA decay. As such, this alteration is interpreted as a disease-causing mutation.

Center for Genomic Medicine, Rigshospitalet, Copenhagen University Hospital
Classification: Pathogenic. Last evaluated: 2025-03-04. Review status: criteria provided, single submitter. Criteria: ACMG Guidelines, 2015. Collection method: clinical testing. Allele origin: germline. Not counted in ClinVar's aggregate classification.

Department of Clinical Genetics, Copenhagen University Hospital, Rigshospitalet
Classification: Pathogenic for Lynch syndrome. Last evaluated: 2025-02-04. Review status: criteria provided, single submitter. Criteria: ACMG Guidelines, 2015. Collection method: clinical testing. Allele origin: germline. Not counted in ClinVar's aggregate classification.
Comment: PVS1; PM2_SUP; PP4_SUP

All of Us Research Program, National Institutes of Health
Classification: Pathogenic for Lynch syndrome. Last evaluated: 2024-09-18. Review status: criteria provided, single submitter. Criteria: ACMG Guidelines, 2015. Collection method: clinical testing. Allele origin: germline. Inheritance: Autosomal dominant inheritance. Observed: 2 variant alleles, 2 heterozygotes. Not counted in ClinVar's aggregate classification.
Comment: The c.1444C>T variant in the MSH6 gene is located on the exon 4 and introduces a premature translation termination codon (p.Arg482*), resulting in an absent or disrupted protein product. The variant has been reported in multiple individuals with Lynch syndrome-associated cancer (PMID: 22495361, 26517685, 27601186, 20587412, 26437257). Loss-of-function variants of MSH6 are known to be pathogenic (PMID: 30376427, 18269114, 29345684). Other loss-of-function variants located in the same exon (p.Tyr433*, p.Tyr524*) have been interpreted as pathogenic by the expert panel (ClinVar ID: 89185, 89202). This variant has been reported as pathogenic by the expert review panel in ClinVar (ID: 89194). This variant is rare (9/1613850 chromosomes) in general population according to gnomAD. Therefore, the c.1444C>T (p.Arg482*) variant in the MSH6 gene has been classified as pathogenic.

This study involves interpretation of variants in research participants for the purpose of population health screening. Participant phenotype was not available at the time of variant classification. Additional details can be found in publication PMID: 35346344, PMCID: PMC8962531

Molecular Pathology, Peter Maccallum Cancer Centre
Classification: Pathogenic for Lynch syndrome 5. Last evaluated: 2024-09-04. Review status: criteria provided, single submitter. Criteria: ACMG Guidelines, 2015. Collection method: clinical testing. Allele origin: germline. Inheritance: Autosomal dominant inheritance. Not counted in ClinVar's aggregate classification.

CeGaT Center for Human Genetics Tuebingen
Classification: Pathogenic. Last evaluated: 2023-10-01. Review status: criteria provided, single submitter. Criteria: CeGaT Center For Human Genetics Tuebingen Variant Classification Criteria Version 2. Collection method: clinical testing. Allele origin: germline. Affected: yes. Observed: 5 variant alleles. Not counted in ClinVar's aggregate classification.
Comment: MSH6: PVS1, PP1, PS3:Supporting

Institute of Human Genetics, University of Leipzig Medical Center
Classification: Pathogenic for Lynch syndrome 5. Last evaluated: 2023-05-24. Review status: criteria provided, single submitter. Criteria: ACMG Guidelines, 2015. Collection method: clinical testing. Allele origin: unknown. Inheritance: Autosomal dominant inheritance. Affected: yes. Not counted in ClinVar's aggregate classification.
Comment: Criteria applied: PVS1,PS4_MOD,PM2_SUP

Myriad Genetics, Inc.
Classification: Pathogenic for Lynch syndrome 5. Last evaluated: 2023-03-30. Review status: criteria provided, single submitter. Criteria: Myriad Autosomal Dominant, Autosomal Recessive and X-Linked Classification Criteria (2023). Collection method: clinical testing. Allele origin: unknown. Not counted in ClinVar's aggregate classification.
Comment: This variant is considered pathogenic. This variant creates a termination codon and is predicted to result in premature protein truncation.

Cancer Genomics Group, Japanese Foundation For Cancer Research
Classification: Pathogenic for Hereditary breast ovarian cancer syndrome. Last evaluated: 2023-03-27. Review status: criteria provided, single submitter. Criteria: ACMG Guidelines, 2015. Collection method: research. Allele origin: germline. Affected: no. Not counted in ClinVar's aggregate classification.

NM_000179.3(MSH6):c.1444C>T (p.Arg482Ter)

Gene: MSH6 (mutS homolog 6; plus strand). Cytogenetic location: 2p16.3.
Variant type: single nucleotide variant.
Coding change: c.1444C>T on transcript NM_000179.3 (MANE Select); coding-DNA position 1444, C replaced by T.
Protein change: p.Arg482Ter; replaces arginine 482 with a stop codon.
Molecular consequence: nonsense.
Genome position (GRCh38, 1-based): chr2:47,799,427, C>T. VCF-style: chr2-47799427-C-T. GRCh37 (hg19) VCF-style: chr2-48026566-C-T.
Other names: c.1054C>T, p.Arg352Ter (NM_001281492.2); c.538C>T, p.Arg180Ter (NM_001281493.2, NM_001281494.2); short protein forms R482*, R352*, R180*.
Identifiers: ClinVar variation 89194 (VCV000089194.72), dbSNP rs63750909, ClinGen allele CA008614.